The following is an entry in ClinVar:

NM_024009.3(GJB3):c.139G>A (p.Glu47Lys)

Gene: GJB3 (gap junction protein beta 3; plus strand). Cytogenetic location: 1p34.3.
Variant type: single nucleotide variant.
Coding change: c.139G>A on transcript NM_024009.3 (MANE Select); coding-DNA position 139, G replaced by A.
Protein change: p.Glu47Lys; replaces glutamic acid 47 with lysine.
Molecular consequence: missense variant.
Genome position (GRCh38, 1-based): chr1:34,784,901, G>A. VCF-style: chr1-34784901-G-A. GRCh37 (hg19) VCF-style: chr1-35250502-G-A.
Other names: c.139G>A, p.Glu47Lys (NM_001005752.2); short protein forms E47K.
Identifiers: ClinVar variation 3371871 (VCV003371871.3).

ClinVar aggregate classification (germline): Uncertain significance. Review status: criteria provided, multiple submitters, no conflicts (2 of 4 stars). 2 submissions from 2 submitters: Uncertain significance (2). Last evaluated 2024-11-18.

Submissions (2):

Labcorp Genetics (formerly Invitae), Labcorp
Classification: Uncertain significance. Last evaluated: 2024-11-18. Review status: criteria provided, single submitter. Criteria: Invitae Variant Classification Sherloc (09022015). Collection method: clinical testing. Allele origin: germline.
Comment: This sequence change replaces glutamic acid, which is acidic and polar, with lysine, which is basic and polar, at codon 47 of the GJB3 protein (p.Glu47Lys). This variant is present in population databases (no rsID available, gnomAD 0.02%). This variant has not been reported in the literature in individuals affected with GJB3-related conditions. Invitae Evidence Modeling of protein sequence and biophysical properties (such as structural, functional, and spatial information, amino acid conservation, physicochemical variation, residue mobility, and thermodynamic stability) indicates that this missense variant is expected to disrupt GJB3 protein function with a positive predictive value of 80%. In summary, the available evidence is currently insufficient to determine the role of this variant in disease. Therefore, it has been classified as a Variant of Uncertain Significance.

GeneDx
Classification: Uncertain significance. Last evaluated: 2024-04-09. Review status: criteria provided, single submitter. Criteria: GeneDx Variant Classification Process June 2021. Collection method: clinical testing. Allele origin: germline. Affected: yes.
Comment: In silico analysis supports that this missense variant has a deleterious effect on protein structure/function; Has not been previously published as pathogenic or benign to our knowledge